The following is an entry in ClinVar:

ClinVar aggregate classification (germline): Uncertain significance (1 of 4 stars; one submission).

Conditions:
Fanconi anemia (FA). Also called: Fanconi's anemia. Identifiers: Orphanet 84, MedGen C0015625, MeSH D005199, MONDO:0019391.

Submission:

Labcorp Genetics (formerly Invitae), Labcorp
Classification: Uncertain significance for Fanconi anemia. Last evaluated: 2025-12-17. Review status: criteria provided, single submitter. Criteria: Invitae Variant Classification Sherloc (09022015). Collection method: clinical testing. Allele origin: germline.
Comment: This sequence change replaces leucine, which is neutral and non-polar, with tryptophan, which is neutral and slightly polar, at codon 724 of the FANCD2 protein (p.Leu724Trp). This variant is present in population databases (rs561548686, gnomAD 0.009%). This variant has not been reported in the literature in individuals affected with FANCD2-related conditions. An algorithm developed to predict the effect of missense changes on protein structure and function (PolyPhen-2) suggests that this variant is likely to be disruptive. In summary, the available evidence is currently insufficient to determine the role of this variant in disease. Therefore, it has been classified as a Variant of Uncertain Significance.

NM_001018115.3(FANCD2):c.2171T>G (p.Leu724Trp)

Genes: FANCD2 (FA complementation group D2; plus strand), LOC107303338 (3p25 FANCD2 Alu-mediated recombination region; plus strand). Cytogenetic location: 3p25.3.
Variant type: single nucleotide variant.
Coding change: c.2171T>G on transcript NM_001018115.3 (MANE Select); coding-DNA position 2171, T replaced by G.
Protein change: p.Leu724Trp; replaces leucine 724 with tryptophan.
Molecular consequence: missense variant.
Genome position (GRCh38, 1-based): chr3:10,065,396, T>G. VCF-style: chr3-10065396-T-G. GRCh37 (hg19) VCF-style: chr3-10107080-T-G.
Other names: c.2171T>G, p.Leu724Trp (NM_001319984.2, NM_001374254.1, NM_033084.6); c.2060T>G, p.Leu687Trp (NM_001374253.1); short protein forms L724W, L687W.
Identifiers: ClinVar variation 4753903 (VCV004753903.1).